The following is an entry in ClinVar:

NM_024334.3(TMEM43):c.1111T>C (p.Tyr371His)

Gene: TMEM43 (transmembrane protein 43; plus strand). Cytogenetic location: 3p25.1.
Variant type: single nucleotide variant.
Coding change: c.1111T>C on transcript NM_024334.3 (MANE Select); coding-DNA position 1111, T replaced by C.
Protein change: p.Tyr371His; replaces tyrosine 371 with histidine.
Molecular consequence: missense variant.
Genome position (GRCh38, 1-based): chr3:14,141,703, T>C. VCF-style: chr3-14141703-T-C. GRCh37 (hg19) VCF-style: chr3-14183203-T-C.
Other names: p.Y371H:TAC>CAC; short protein forms Y371H.
Identifiers: ClinVar variation 46140 (VCV000046140.44), dbSNP rs116911972, ClinGen allele CA024587.

ClinVar aggregate classification (germline): Conflicting classifications of pathogenicity. Review status: criteria provided, conflicting classifications (1 of 4 stars). 14 submissions from 14 submitters: Uncertain significance (1); Benign (6); Likely benign (4). 3 of the submissions do not count toward it. Last evaluated 2026-01-26.

Conditions:
Cardiovascular phenotype. Identifiers: MedGen CN230736.
Cardiomyopathy (CMYO). Also called: Cardiomyopathies. Identifiers: Orphanet 167848, MedGen C0878544, MONDO:0004994, HP:0001638. Inheritance: Various modes of inheritance.
Arrhythmogenic right ventricular dysplasia 5. Also called: Arrhythmogenic Right Ventricular Dysplasia/Cardiomyopathy 5; ARRHYTHMOGENIC RIGHT VENTRICULAR DYSPLASIA, FAMILIAL, 5. Identifiers: MedGen C1858379, MONDO:0011459, OMIM 604400.

Allele frequency attached by ClinVar (database versions not stated): gnomAD 0.00024 and 0.00040; TOPMed 0.00033; gnomAD exomes 0.00044 and 0.00082; ExAC 0.00078; 1000 Genomes Project 30x 0.00141; 1000 Genomes Project 0.00180.
gnomAD v4.1: 696 of 1,614,162 alleles (0.043%); highest among the groups gnomAD compares: East Asian, 1.4%; 11 homozygotes.

Submissions (14):

Labcorp Genetics (formerly Invitae), Labcorp
Classification: Benign for Arrhythmogenic right ventricular dysplasia 5. Last evaluated: 2026-01-26. Review status: criteria provided, single submitter. Criteria: Invitae Variant Classification Sherloc (09022015). Collection method: clinical testing. Allele origin: germline.

CeGaT Center for Human Genetics Tuebingen
Classification: Likely benign. Last evaluated: 2025-02-01. Review status: criteria provided, single submitter. Criteria: CeGaT Center For Human Genetics Tuebingen Variant Classification Criteria Version 2. Collection method: clinical testing. Allele origin: germline. Affected: yes. Observed: 1 variant allele.
Comment: TMEM43: BS1

Mayo Clinic Laboratories, Mayo Clinic
Classification: Benign. Last evaluated: 2024-12-18. Review status: criteria provided, single submitter. Criteria: ACMG Guidelines, 2015. Collection method: clinical testing. Allele origin: germline. Observed: 1 variant allele.
Comment: BS1, BS2, BP4

Blueprint Genetics
Classification: Likely benign. Last evaluated: 2024-11-25. Review status: criteria provided, single submitter. Criteria: ACMG Guidelines, 2015. Collection method: clinical testing. Allele origin: germline.

Women's Health and Genetics/Laboratory Corporation of America, LabCorp
Classification: Likely benign. Last evaluated: 2023-05-15. Review status: criteria provided, single submitter. Criteria: LabCorp Variant Classification Summary - May 2015. Collection method: clinical testing. Allele origin: germline.

GeneDx
Classification: Benign. Last evaluated: 2018-11-13. Review status: criteria provided, single submitter. Criteria: GeneDx Variant Classification Process June 2021. Collection method: clinical testing. Allele origin: germline. Affected: yes.
Comment: This variant is associated with the following publications: (PMID: 21391237, 23812740, 24125834, 23861362)

Color Diagnostics, LLC DBA Color Health
Classification: Benign for Cardiomyopathy. Last evaluated: 2018-10-09. Review status: criteria provided, single submitter. Criteria: ACMG Guidelines, 2015. Collection method: clinical testing. Allele origin: germline.

CHEO Genetics Diagnostic Laboratory, Children's Hospital of Eastern Ontario
Classification: Likely benign for Cardiomyopathy. Last evaluated: 2015-11-06. Review status: criteria provided, single submitter. Criteria: ACMG Guidelines, 2015. Collection method: clinical testing. Allele origin: germline. Study: Canadian Open Genetics Repository.

Ambry Genetics
Classification: Benign for Cardiovascular phenotype. Last evaluated: 2015-09-06. Review status: criteria provided, single submitter. Criteria: Ambry Variant Classification Scheme 2023. Collection method: clinical testing. Allele origin: germline.

Laboratory for Molecular Medicine, Mass General Brigham Personalized Medicine
Classification: Benign. Last evaluated: 2014-12-30. Review status: criteria provided, single submitter. Criteria: LMM Criteria. Collection method: clinical testing. Allele origin: germline. Observed: 5 variant alleles.
Comment: p.Tyr371His in exon 12 of TMEM43: This variant has been reported in at least one individual with Emery-Dreifuss muscular dystrophy, but was also identified in 2 /200 control chromosomes (Liang 2011). It has also been identified in 1% (92/876 2) of East Asian chromosomes by the by the Exome Aggregation Consortium (ExAC).

Biesecker Lab/Clinical Genomics Section, National Institutes of Health
Classification: Uncertain significance. Last evaluated: 2013-06-24. Review status: criteria provided, single submitter. Criteria: Ng et al. (Circ Cardiovasc Genet. 2013). Collection method: research. Allele origin: unknown. Observed: 1 variant allele. Study: ClinSeq.
Comment: The study set was not selected for affection status in relation to any cancer. Pathogenicity categories were based on literature curation. See Pubmed ID:23861362 for details.

Medical sequencing

Clinical Genetics, Academic Medical Center
Classification: Benign. Review status: no assertion criteria provided. Collection method: clinical testing. Allele origin: germline. Affected: yes. Study: VKGL Data-share Consensus. Not counted in ClinVar's aggregate classification.

Genome Diagnostics Laboratory, University Medical Center Utrecht
Classification: Benign. Review status: no assertion criteria provided. Collection method: clinical testing. Allele origin: germline. Affected: yes. Study: VKGL Data-share Consensus. Not counted in ClinVar's aggregate classification.

Joint Genome Diagnostic Labs from Nijmegen and Maastricht, Radboudumc and MUMC+
Classification: Likely benign. Review status: no assertion criteria provided. Collection method: clinical testing. Allele origin: germline. Affected: yes. Study: VKGL Data-share Consensus. Not counted in ClinVar's aggregate classification.

Literature cited by the submitters: PubMed 23812740 (cited by Mayo Clinic Laboratories, Mayo Clinic and Women's Health and Genetics/Laboratory Corporation of America, LabCorp); PubMed 23861362 (cited by Women's Health and Genetics/Laboratory Corporation of America, LabCorp); PubMed 24125834 (cited by Women's Health and Genetics/Laboratory Corporation of America, LabCorp); PubMed 21391237 (cited by Women's Health and Genetics/Laboratory Corporation of America, LabCorp and Laboratory for Molecular Medicine, Mass General Brigham Personalized Medicine).